The following is an entry in ClinVar:

ClinVar aggregate classification (germline): Likely benign. Review status: criteria provided, single submitter (1 of 4 stars). 2 submissions from 2 submitters: Likely benign (1). 1 of the submissions does not count toward it. Last evaluated 2018-12-19.

Conditions:
DAG1-related disorder. Also called: DAG1-related condition.

Allele frequency attached by ClinVar (database versions not stated): gnomAD exomes below 0.00001; TOPMed 0.00001.
gnomAD v4.1: 2 of 1,614,188 alleles (0.00012%); highest among the groups gnomAD compares: Admixed American, 0.0033%; no homozygotes.

Submissions (2):

Labcorp Genetics (formerly Invitae), Labcorp
Classification: Likely benign. Last evaluated: 2018-12-19. Review status: criteria provided, single submitter. Criteria: Invitae Variant Classification Sherloc (09022015). Collection method: clinical testing. Allele origin: germline.

PreventionGenetics, part of Exact Sciences
Classification: Likely benign for DAG1-related condition. Last evaluated: 2022-11-30. Review status: no assertion criteria provided. Collection method: clinical testing. Allele origin: germline. Not counted in ClinVar's aggregate classification.
Comment: This variant is classified as likely benign based on ACMG/AMP sequence variant interpretation guidelines (Richards et al. 2015 PMID: 25741868, with internal and published modifications).

NM_004393.6(DAG1):c.2190G>A (p.Glu730=)

Gene: DAG1 (dystroglycan 1; plus strand). Cytogenetic location: 3p21.31.
Variant type: single nucleotide variant.
Coding change: c.2190G>A on transcript NM_004393.6 (MANE Select); coding-DNA position 2190, G replaced by A.
Protein change: p.Glu730=; no amino-acid change (glutamic acid 730 retained).
Molecular consequence: synonymous variant.
Genome position (GRCh38, 1-based): chr3:49,532,701, G>A. VCF-style: chr3-49532701-G-A. GRCh37 (hg19) VCF-style: chr3-49570134-G-A.
Other names: c.2190G>A, p.Glu730= (NM_001165928.4, NM_001177634.3, NM_001177635.3 and 9 more transcripts); c.2190G>A (NM_001165928.3).
Identifiers: ClinVar variation 799135 (VCV000799135.6), dbSNP rs1293129309, ClinGen allele CA433840158.